The following is an entry in ClinVar:

NM_001267550.2(TTN):c.8117-1G>T

Gene: TTN (titin; minus strand). Cytogenetic location: 2q31.2.
Variant type: single nucleotide variant.
Coding change: c.8117-1G>T on transcript NM_001267550.2 (MANE Select); the canonical splice acceptor site of the intron before coding-DNA position 8117, G replaced by T.
Molecular consequence: splice acceptor variant.
Genome position (GRCh38, 1-based): chr2:178,770,676, C>A on the plus strand (G>T on the coding strand, the complement: TTN is on the minus strand). VCF-style: chr2-178770676-C-A. GRCh37 (hg19) VCF-style: chr2-179635403-C-A.
Other names: c.7979-1G>T (NM_003319.4, NM_133437.4, NM_133432.3); c.8117-1G>T (NM_133378.4, NM_001256850.1, NM_133379.5).
Identifiers: ClinVar variation 2578892 (VCV002578892.27), dbSNP rs2532510791, ClinGen allele CA349678094.

ClinVar aggregate classification (germline): Likely pathogenic. Review status: criteria provided, multiple submitters, no conflicts (2 of 4 stars). 2 submissions from 2 submitters: Likely pathogenic (2). Last evaluated 2025-06-01.

Conditions:
Autosomal recessive limb-girdle muscular dystrophy type 2J (LGMDR10). Also called: Limb-girdle muscular dystrophy, type 2J; MUSCULAR DYSTROPHY, LIMB-GIRDLE, AUTOSOMAL RECESSIVE 10. Identifiers: Orphanet 140922, MedGen C1837342, MONDO:0012127, OMIM 608807.
Dilated cardiomyopathy 1G (CMD1G). Identifiers: Orphanet 154, MedGen C1858763, MONDO:0011400, OMIM 604145.

Submissions (2):

CeGaT Center for Human Genetics Tuebingen
Classification: Likely pathogenic. Last evaluated: 2025-06-01. Review status: criteria provided, single submitter. Criteria: CeGaT Center For Human Genetics Tuebingen Variant Classification Criteria Version 2. Collection method: clinical testing. Allele origin: germline. Affected: yes. Observed: 2 variant alleles.
Comment: TTN: PVS1:Strong, PM2, PM3:Supporting

Labcorp Genetics (formerly Invitae), Labcorp
Classification: Likely pathogenic for Dilated cardiomyopathy 1G; Autosomal recessive limb-girdle muscular dystrophy type 2J. Last evaluated: 2024-06-05. Review status: criteria provided, single submitter. Criteria: Invitae Variant Classification Sherloc (09022015). Collection method: clinical testing. Allele origin: germline.
Comment: This sequence change affects an acceptor splice site in intron 34 of the TTN gene. It is expected to disrupt RNA splicing and likely results in a truncated or disrupted TTN protein. This variant is not present in population databases (gnomAD no frequency). This variant has not been reported in the literature in individuals affected with TTN-related conditions. ClinVar contains an entry for this variant (Variation ID: 2578892). Algorithms developed to predict the effect of sequence changes on RNA splicing suggest that this variant may disrupt the consensus splice site. This variant is located in the I band of TTN (PMID: 25589632). Truncating variants in this region have been reported in individuals affected with autosomal recessive centronuclear myopathy (PMID: 23975875, Invitae internal data). Truncating variants in this region have also been identified in individuals affected with autosomal dominant dilated cardiomyopathy and/or cardio-related conditions (PMID: 27869827, 32964742, Invitae internal data). In summary, the currently available evidence indicates that the variant is pathogenic, but additional data are needed to prove that conclusively. Therefore, this variant has been classified as Likely Pathogenic.

Literature cited by the submitters: PubMed 25589632 (cited by Labcorp Genetics (formerly Invitae), Labcorp); PubMed 23975875 (cited by Labcorp Genetics (formerly Invitae), Labcorp); PubMed 27869827 (cited by Labcorp Genetics (formerly Invitae), Labcorp); PubMed 32964742 (cited by Labcorp Genetics (formerly Invitae), Labcorp).